The following is an entry in ClinVar:

ClinVar aggregate classification (germline): Uncertain significance. Review status: criteria provided, multiple submitters, no conflicts (2 of 4 stars). 2 submissions from 2 submitters: Uncertain significance (2). Last evaluated 2019-08-13.

Conditions:
Hereditary breast ovarian cancer syndrome. Also called: Hereditary breast and ovarian cancer syndrome; Hereditary breast and ovarian cancer; Hereditary breast and ovarian cancer syndrome (HBOC); Breast and ovarian cancer; Hereditary breast and/or ovarian cancer syndrome; BRCA1- and BRCA2-Associated Hereditary Breast and Ovarian Cancer. Identifiers: Orphanet 145, MedGen C0677776, MeSH D061325, MONDO:0003582. Disease mechanism: loss of function.
Hereditary cancer-predisposing syndrome. Also called: Neoplastic Syndromes, Hereditary; Tumor predisposition; Hereditary neoplastic syndrome; Hereditary Cancer Syndrome. Identifiers: Orphanet 140162, MedGen C0027672, MeSH D009386, MONDO:0015356.

Submissions (2):

Ambry Genetics
Classification: Uncertain significance for Hereditary cancer-predisposing syndrome. Last evaluated: 2019-08-13. Review status: criteria provided, single submitter. Criteria: Ambry Variant Classification Scheme 2023. Collection method: clinical testing. Allele origin: germline.
Comment: The p.I1438S variant (also known as c.4313T>G), located in coding exon 28 of the ATM gene, results from a T to G substitution at nucleotide position 4313. The isoleucine at codon 1438 is replaced by serine, an amino acid with dissimilar properties. This amino acid position is well conserved in available vertebrate species. In addition, the in silico prediction for this alteration is inconclusive. Since supporting evidence is limited at this time, the clinical significance of this alteration remains unclear.

Cancer Genomics Group, Japanese Foundation For Cancer Research
Classification: Uncertain significance for Hereditary breast and ovarian cancer syndrome. Last evaluated: 2019-05-01. Review status: criteria provided, single submitter. Criteria: ACMG Guidelines, 2015. Collection method: research. Allele origin: germline. Affected: yes.

NM_000051.4(ATM):c.4313T>G (p.Ile1438Ser)

Gene: ATM (ATM serine/threonine kinase; plus strand). Cytogenetic location: 11q22.3.
Variant type: single nucleotide variant.
Coding change: c.4313T>G on transcript NM_000051.4 (MANE Select); coding-DNA position 4313, T replaced by G.
Protein change: p.Ile1438Ser; replaces isoleucine 1438 with serine.
Molecular consequence: missense variant.
Genome position (GRCh38, 1-based): chr11:108,289,678, T>G. VCF-style: chr11-108289678-T-G. GRCh37 (hg19) VCF-style: chr11-108160405-T-G.
Other names: c.4313T>G, p.Ile1438Ser (NM_001351834.2); short protein forms I1438S.
Identifiers: ClinVar variation 824783 (VCV000824783.6), dbSNP rs1591663009, ClinGen allele CA382531750.
Genomic context (GRCh38, chr11:108,289,678, plus strand): 5'-TTCTTCTTGCCATATGTGAGCAAGCAGCTGAAACAAATAATGTTTATAAGAAGCACAGAA[T>G]TCTTAAAATATATCACCTGTTTGTTAGTTTATTACTGAAAGATATAAAAAGTGGCTTAGG-3'
Protein context (NP_000042.3, residues 1428-1448): ETNNVYKKHR[Ile1438Ser]LKIYHLFVSL